The following is an entry in ClinVar:

NM_003480.4(MFAP5):c.140-19T>C

Gene: MFAP5 (microfibril associated protein 5; minus strand). Cytogenetic location: 12p13.31.
Variant type: single nucleotide variant.
Coding change: c.140-19T>C on transcript NM_003480.4 (MANE Select); 19 bases into the intron before coding-DNA position 140, T replaced by C.
Molecular consequence: intron variant.
Genome position (GRCh38, 1-based): chr12:8,655,466, A>G on the plus strand (T>C on the coding strand, the complement: MFAP5 is on the minus strand). VCF-style: chr12-8655466-A-G. GRCh37 (hg19) VCF-style: chr12-8808062-A-G.
Other names: c.104-19T>C (NM_001297710.2); c.140-19T>C (NM_001297711.2, NM_001297712.2, NM_001297709.2).
Identifiers: ClinVar variation 515964 (VCV000515964.4), dbSNP rs1394965429, ClinGen allele CA603402440.
Genomic context (GRCh38, chr12:8,655,466, plus strand): 5'-AAAATTTACCTGTTTCATCTGTAGCGGGATCATTCACCAGATCTGCAAAGACACATAACA[A>G]GGAATGAAAAAATGCAGTCAGGAAAAGTAGCTAAGGAAAGCAGGATAAGGGGACGATGAT-3'

ClinVar aggregate classification (germline): Likely benign. Review status: criteria provided, multiple submitters, no conflicts (2 of 4 stars). 2 submissions from 2 submitters: Likely benign (2). Last evaluated 2025-07-22.

Allele frequency attached by ClinVar (database versions not stated): gnomAD exomes below 0.00001.
gnomAD v4.1: 2 of 1,605,194 alleles (0.00012%); highest among the groups gnomAD compares: South Asian, 0.0011%; no homozygotes.

Submissions (2):

Labcorp Genetics (formerly Invitae), Labcorp
Classification: Likely benign. Last evaluated: 2025-07-22. Review status: criteria provided, single submitter. Criteria: Invitae Variant Classification Sherloc (09022015). Collection method: clinical testing. Allele origin: germline.

GeneDx
Classification: Likely benign. Last evaluated: 2018-03-12. Review status: criteria provided, single submitter. Criteria: GeneDx Variant Classification (06012015). Collection method: clinical testing. Allele origin: germline. Affected: yes.
Comment: This variant is considered likely benign or benign based on one or more of the following criteria: it is a conservative change, it occurs at a poorly conserved position in the protein, it is predicted to be benign by multiple in silico algorithms, and/or has population frequency not consistent with disease.